The following is an entry in ClinVar:

NM_001040142.2(SCN2A):c.5144_5153del (p.Gly1715fs)

Gene: SCN2A (sodium voltage-gated channel alpha subunit 2; plus strand). Cytogenetic location: 2q24.3.
Variant type: Deletion.
Coding change: c.5144_5153del on transcript NM_001040142.2 (MANE Select); coding-DNA positions 5144 to 5153, 10 bases deleted (GCTGGGATGG; older notation c.5144_5153delGCTGGGATGG).
Protein change: p.Gly1715fs; shifts the reading frame from glycine 1715.
Molecular consequence: frameshift variant.
Genome position (GRCh38, 1-based): chr2:165,388,950-165,388,959, GCTGGGATGG deleted; deleting any 10 consecutive bases within chr2:165,388,949-165,388,959 gives the same sequence; the c. name uses the placement nearest the transcript's 3' end. VCF-style (leftmost placement, unchanged base first): chr2-165388948-TGGCTGGGATG-T. GRCh37 (hg19) VCF-style: chr2-166245458-TGGCTGGGATG-T.
Other names: c.5144_5153del, p.Gly1715fs (NM_001040143.2, NM_001371246.1, NM_001371247.1 and 1 more transcripts); short protein forms G1715fs.
Identifiers: ClinVar variation 1457151 (VCV001457151.6), dbSNP rs2105402593, ClinGen allele CA2573133624.
Genomic context (GRCh38, chr2:165,388,948, plus strand): 5'-GTTCAACTTTGAGACCTTTGGCAACAGCATGATCTGCCTGTTCCAAATTACAACCTCTGC[TGGCTGGGATG>T]GATTGCTAGCACCTATTCTTAATAGTGGACCTCCAGACTGTGACCCTGACAAAGATCACC-3'

ClinVar aggregate classification (germline): Pathogenic (1 of 4 stars; one submission).

Conditions:
Seizures, benign familial infantile, 3 (BFIS3). Also called: Familial neonatal seizures; CONVULSIONS, BENIGN FAMILIAL INFANTILE, 3. Identifiers: Orphanet 140927, Orphanet 306, MedGen C1843140, MONDO:0011904, OMIM 607745.
Developmental and epileptic encephalopathy, 11 (DEE11). Also called: Early infantile epileptic encephalopathy 11. Identifiers: Orphanet 1934, MedGen C3150987, MONDO:0013388, OMIM 613721.

Submission:

Labcorp Genetics (formerly Invitae), Labcorp
Classification: Pathogenic for Seizures, benign familial infantile, 3; Developmental and epileptic encephalopathy, 11. Last evaluated: 2021-08-23. Review status: criteria provided, single submitter. Criteria: Invitae Variant Classification Sherloc (09022015). Collection method: clinical testing. Allele origin: germline.
Comment: This sequence change creates a premature translational stop signal (p.Gly1715Aspfs*3) in the SCN2A gene. While this is not anticipated to result in nonsense mediated decay, it is expected to disrupt the last 291 amino acid(s) of the SCN2A protein. This variant is not present in population databases (ExAC no frequency). This variant has not been reported in the literature in individuals affected with SCN2A-related conditions. This variant disrupts a region of the SCN2A protein in which other variant(s) (p.Lys1890Asn) have been determined to be pathogenic (Invitae). This suggests that this is a clinically significant region of the protein, and that variants that disrupt it are likely to be disease-causing. For these reasons, this variant has been classified as Pathogenic.